The following is an entry in ClinVar:

ClinVar aggregate classification (germline): Uncertain significance. Review status: criteria provided, multiple submitters, no conflicts (2 of 4 stars). 2 submissions from 2 submitters: Uncertain significance (2). Last evaluated 2025-08-24.

Conditions:
Inborn genetic diseases. Identifiers: MedGen C0950123, MeSH D030342.
Fanconi anemia (FA). Also called: Fanconi's anemia. Identifiers: Orphanet 84, MedGen C0015625, MeSH D005199, MONDO:0019391.

gnomAD v4.1: 3 of 1,614,086 alleles (0.00019%); highest among the groups gnomAD compares: Non-Finnish European, 0.000085%; no homozygotes.

Submissions (2):

Ambry Genetics
Classification: Uncertain significance for Inborn genetic diseases. Last evaluated: 2025-08-24. Review status: criteria provided, single submitter. Criteria: Ambry Variant Classification Scheme 2023. Collection method: clinical testing. Allele origin: germline.

Labcorp Genetics (formerly Invitae), Labcorp
Classification: Uncertain significance for Fanconi anemia. Last evaluated: 2023-10-18. Review status: criteria provided, single submitter. Criteria: Invitae Variant Classification Sherloc (09022015). Collection method: clinical testing. Allele origin: germline.
Comment: This sequence change replaces glutamic acid, which is acidic and polar, with aspartic acid, which is acidic and polar, at codon 1540 of the SLX4 protein (p.Glu1540Asp). This variant is present in population databases (no rsID available, gnomAD 0.0009%). This variant has not been reported in the literature in individuals affected with SLX4-related conditions. Algorithms developed to predict the effect of missense changes on protein structure and function output the following: SIFT: "Not Available"; PolyPhen-2: "Benign"; Align-GVGD: "Not Available". The aspartic acid amino acid residue is found in multiple mammalian species, which suggests that this missense change does not adversely affect protein function. In summary, the available evidence is currently insufficient to determine the role of this variant in disease. Therefore, it has been classified as a Variant of Uncertain Significance.

NM_032444.4(SLX4):c.4620A>C (p.Glu1540Asp)

Gene: SLX4 (SLX4 structure-specific endonuclease subunit; minus strand). Cytogenetic location: 16p13.3.
Variant type: single nucleotide variant.
Coding change: c.4620A>C on transcript NM_032444.4 (MANE Select); coding-DNA position 4620, A replaced by C.
Protein change: p.Glu1540Asp; replaces glutamic acid 1540 with aspartic acid.
Molecular consequence: missense variant.
Genome position (GRCh38, 1-based): chr16:3,589,018, T>G on the plus strand (A>C on the coding strand, the complement: SLX4 is on the minus strand). VCF-style: chr16-3589018-T-G. GRCh37 (hg19) VCF-style: chr16-3639019-T-G.
Other names: short protein forms E1540D.
Identifiers: ClinVar variation 2980313 (VCV002980313.4), dbSNP rs1164904532, ClinGen allele CA394516766.